The following is an entry in ClinVar:

NM_000384.3(APOB):c.7992C>A (p.Asp2664Glu)

Gene: APOB (apolipoprotein B; minus strand). Cytogenetic location: 2p24.1.
Variant type: single nucleotide variant.
Coding change: c.7992C>A on transcript NM_000384.3 (MANE Select); coding-DNA position 7992, C replaced by A.
Protein change: p.Asp2664Glu; replaces aspartic acid 2664 with glutamic acid.
Molecular consequence: missense variant.
Genome position (GRCh38, 1-based): chr2:21,008,876, G>T on the plus strand (C>A on the coding strand, the complement: APOB is on the minus strand). VCF-style: chr2-21008876-G-T. GRCh37 (hg19) VCF-style: chr2-21231748-G-T.
Other names: c.7992C>A (NM_000384.2); short protein forms D2664E.
Identifiers: ClinVar variation 4787562 (VCV004787562.2).
Genomic context (GRCh38, chr2:21,008,876, plus strand): 5'-CAGCTCACTGTTCAGCATCTGGTCAATGGTTCTGATGATCTTTACTTTCATTTCTACAAA[G>T]TCAATTGTAAAGGAAGGAATGTGGAAGGTGTTAAGGATGGTAAATTCTGGTGTGGAAAAC-3'
Protein context (NP_000375.3, residues 2654-2674): NTFHIPSFTI[Asp2664Glu]FVEMKVKIIR

ClinVar aggregate classification (germline): Conflicting classifications of pathogenicity. Review status: criteria provided, conflicting classifications (1 of 4 stars). 2 submissions from 2 submitters: Uncertain significance (1); Benign (1). Last evaluated 2026-03-15.

Conditions:
Familial hypobetalipoproteinemia 1. Also called: Hypobetalipoproteinemia, normotriglyceridemic; Acanthocytosis with hypobetalipoproteinemia; APOB-Related Familial Hypobetalipoproteinemia. Identifiers: MedGen C4551990, MONDO:0014252, OMIM 615558.
Hypercholesterolemia, autosomal dominant, type B (FHCL2). Also called: Familial hypercholesterolemia 2; Familial Hypercholesterolemia Type B; APOLIPOPROTEIN B-100, FAMILIAL DEFECTIVE; APOLIPOPROTEIN B-100, FAMILIAL LIGAND-DEFECTIVE; HYPERCHOLESTEROLEMIA, FAMILIAL, DUE TO LIGAND-DEFECTIVE APOLIPOPROTEIN B; Hyperlipoproteinemia Type IIb. Identifiers: MedGen C1704417, MONDO:0007751, OMIM 144010.
Cardiovascular phenotype. Identifiers: MedGen CN230736.

gnomAD v4.1: 13 of 1,613,918 alleles (0.00081%); highest among the groups gnomAD compares: South Asian, 0.014%; no homozygotes.

Submissions (2):

Ambry Genetics
Classification: Uncertain significance for Cardiovascular phenotype. Last evaluated: 2026-03-15. Review status: criteria provided, single submitter. Criteria: Ambry Variant Classification Scheme 2023. Collection method: clinical testing. Allele origin: germline.
Comment: The p.D2664E variant (also known as c.7992C>A), located in coding exon 26 of the APOB gene, results from a C to A substitution at nucleotide position 7992. The aspartic acid at codon 2664 is replaced by glutamic acid, an amino acid with highly similar properties. This amino acid position is conserved. In addition, this alteration is predicted to be tolerated by in silico analysis. Based on the available evidence, the clinical significance of this variant remains unclear.

Labcorp Genetics (formerly Invitae), Labcorp
Classification: Benign for Familial hypobetalipoproteinemia 1; Hypercholesterolemia, autosomal dominant, type B. Last evaluated: 2025-08-21. Review status: criteria provided, single submitter. Criteria: Invitae Variant Classification Sherloc (09022015). Collection method: clinical testing. Allele origin: germline.